The following is an entry in ClinVar:

ClinVar aggregate classification (germline): Uncertain significance (1 of 4 stars; one submission).

Conditions:
Mitochondrial complex II deficiency, nuclear type 1. Also called: SUCCINATE CoQ REDUCTASE DEFICIENCY. Identifiers: Orphanet 3208, MedGen C5700310, MONDO:0100294, OMIM 252011.
Pheochromocytoma/paraganglioma syndrome 5. Also called: Paragangliomas 5; SDHA-Related Hereditary Paraganglioma-Pheochromocytoma Syndrome. Identifiers: Orphanet 29072, MedGen C3279992, MONDO:0013602, OMIM 614165.

Submission:

Labcorp Genetics (formerly Invitae), Labcorp
Classification: Uncertain significance for Pheochromocytoma/paraganglioma syndrome 5; Mitochondrial complex II deficiency, nuclear type 1. Last evaluated: 2017-05-11. Review status: criteria provided, single submitter. Criteria: Invitae Variant Classification Sherloc (09022015). Collection method: clinical testing. Allele origin: germline.
Comment: This variant is a gross duplication of the genomic region spanning the intron 11-exon 12 boundary of the SDHA gene. The duplicated copy of this region appears to be inserted in intron 11. This variant has not been reported in the literature in individuals with an SDHA-related disease. In summary, this is a novel duplication with uncertain impact on SDHA protein function. It has been classified as a Variant of Uncertain Significance.

NM_004168.4(SDHA):c.1552-173_1585dup

Gene: SDHA (succinate dehydrogenase complex flavoprotein subunit A; plus strand). Cytogenetic location: 5p15.33.
Variant type: Duplication.
Coding change: c.1552-173_1585dup on transcript NM_004168.4 (MANE Select); 173 bases into the intron before coding-DNA position 1552 through coding-DNA position 1585, 207 bases duplicated.
Molecular consequence: splice acceptor variant. On other transcripts: intron variant (1).
Genome position (GRCh38, 1-based): chr5:250,819-251,025, 207 bases duplicated. GRCh37 (hg19): chr5:250,934-251,140.
Other names: c.1552-3574_1552-3368dup (NM_001330758.2); c.1408-173_1441dup (NM_001294332.2).
Identifiers: ClinVar variation 1025491 (VCV001025491.2), dbSNP rs1736773597, ClinGen allele CA1521997080.